The following is an entry in ClinVar:

ClinVar aggregate classification (germline): Likely benign (0 of 4 stars; one submission).

Conditions:
PLXNA1-related disorder. Also called: PLXNA1-related condition.

Allele frequency attached by ClinVar (database versions not stated): gnomAD 0.00001; ExAC 0.00002; gnomAD exomes 0.00002; TOPMed 0.00002; ESP Exome Variant Server 0.00008.
gnomAD v4.1: 34 of 1,613,356 alleles (0.0021%); highest among the groups gnomAD compares: South Asian, 0.0077%; no homozygotes.

Submissions (2):

PreventionGenetics, part of Exact Sciences
Classification: Likely benign for PLXNA1-related condition. Last evaluated: 2024-03-13. Review status: no assertion criteria provided. Collection method: clinical testing. Allele origin: germline.
Comment: This variant is classified as likely benign based on ACMG/AMP sequence variant interpretation guidelines (Richards et al. 2015 PMID: 25741868, with internal and published modifications).

Dr. Peter K. Rogan Lab, Western University
No classification provided (evidence only). Condition: Uterine corpus endometrial carcinoma. Review status: no classification provided. Collection method: in vitro. Allele origin: not applicable. Functional consequence: retained intron. Not counted in ClinVar's aggregate classification.

NM_032242.4(PLXNA1):c.915G>A (p.Ala305=)

Gene: PLXNA1 (plexin A1; plus strand). Cytogenetic location: 3q21.3.
Variant type: single nucleotide variant.
Coding change: c.915G>A on transcript NM_032242.4 (MANE Select); coding-DNA position 915, G replaced by A.
Protein change: p.Ala305=; no amino-acid change (alanine 305 retained).
Molecular consequence: synonymous variant.
Genome position (GRCh38, 1-based): chr3:126,989,508, G>A. VCF-style: chr3-126989508-G-A. GRCh37 (hg19) VCF-style: chr3-126708351-G-A.
Other names: NC_000003.11:g.126708351G>A.
Identifiers: ClinVar variation 2636466 (VCV002636466.3), dbSNP rs139482007, ClinGen allele CA2593078.